The following is an entry in ClinVar:

ClinVar aggregate classification (germline): Uncertain significance (1 of 4 stars; one submission).

Conditions:
Breast-ovarian cancer, familial, susceptibility to, 2 (BROVCA2). Also called: BRCA2 Hereditary Breast and Ovarian Cancer. Identifiers: Orphanet 145, MedGen C2675520, MONDO:0012933, OMIM 612555. Disease mechanism: loss of function.

Submission:

Baylor Genetics
Classification: Uncertain significance for Breast-ovarian cancer, familial, susceptibility to, 2. Last evaluated: 2020-12-09. Review status: criteria provided, single submitter. Criteria: ACMG Guidelines, 2015. Collection method: clinical testing. Allele origin: unknown. Affected: yes. Study: CSER-TexasKidsCanSeq.
Comment: This variant was determined to be of uncertain significance according to ACMG Guidelines, 2015 [PMID:25741868].

NM_000059.4(BRCA2):c.8591C>A (p.Ala2864Asp)

Gene: BRCA2 (BRCA2 DNA repair associated; plus strand). Cytogenetic location: 13q13.1.
Variant type: single nucleotide variant.
Coding change: c.8591C>A on transcript NM_000059.4 (MANE Select); coding-DNA position 8591, C replaced by A.
Protein change: p.Ala2864Asp; replaces alanine 2864 with aspartic acid.
Molecular consequence: missense variant.
Genome position (GRCh38, 1-based): chr13:32,371,059, C>A. VCF-style: chr13-32371059-C-A. GRCh37 (hg19) VCF-style: chr13-32945196-C-A.
Other names: short protein forms A2864D.
Identifiers: ClinVar variation 997566 (VCV000997566.2), dbSNP rs80359116, ClinGen allele CA387752862.